The following is an entry in ClinVar:

NM_003872.3(NRP2):c.2425+9453C>T

Gene: NRP2 (neuropilin 2; plus strand). Cytogenetic location: 2q33.3.
Variant type: single nucleotide variant.
Coding change: c.2425+9453C>T on transcript NM_003872.3 (MANE Select); 9453 bases into the intron after coding-DNA position 2425, C replaced by T.
Molecular consequence: intron variant. On other transcripts: synonymous variant (2).
Genome position (GRCh38, 1-based): chr2:205,776,256, C>T. VCF-style: chr2-205776256-C-T. GRCh37 (hg19) VCF-style: chr2-206640980-C-T.
Other names: c.2451C>T, p.Leu817= (NM_018534.4); c.2436C>T, p.Leu812= (NM_201267.2); c.2440+9438C>T (NM_201266.2); c.2425+9453C>T (NM_201279.2).
Identifiers: ClinVar variation 4991821 (VCV004991821.1).

ClinVar aggregate classification (germline): Likely benign (1 of 4 stars; one submission).

Conditions:
NRP2-related disorder. Also called: NRP2-related condition.

Submission:

PreventionGenetics, part of Exact Sciences
Classification: Likely benign for NRP2-related condition. Last evaluated: 2025-10-21. Review status: criteria provided, single submitter. Criteria: ACMG Guidelines, 2015. Collection method: clinical testing. Allele origin: germline.
Comment: This variant is classified as likely benign based on ACMG/AMP sequence variant interpretation guidelines (Richards et al. 2015 PMID: 25741868, with internal and published modifications).